The following is an entry in ClinVar:

ClinVar aggregate classification (germline): Uncertain significance (1 of 4 stars; one submission).

Conditions:
Aortic aneurysm, familial thoracic 7 (AAT7). Also called: AORTIC DISSECTION, FAMILIAL, WITH OR WITHOUT AORTIC ANEURYSM. Identifiers: MedGen C3151077, MONDO:0013418, OMIM 613780.

Submission:

Labcorp Genetics (formerly Invitae), Labcorp
Classification: Uncertain significance for Aortic aneurysm, familial thoracic 7. Last evaluated: 2025-12-31. Review status: criteria provided, single submitter. Criteria: Invitae Variant Classification Sherloc (09022015). Collection method: clinical testing. Allele origin: germline.
Comment: This sequence change replaces glutamic acid, which is acidic and polar, with alanine, which is neutral and non-polar, at codon 684 of the MYLK protein (p.Glu684Ala). This variant is not present in population databases (gnomAD no frequency). This variant has not been reported in the literature in individuals affected with MYLK-related conditions. Invitae Evidence Modeling of protein sequence and biophysical properties (such as structural, functional, and spatial information, amino acid conservation, physicochemical variation, residue mobility, and thermodynamic stability) indicates that this missense variant is not expected to disrupt MYLK protein function with a negative predictive value of 80%. In summary, the available evidence is currently insufficient to determine the role of this variant in disease. Therefore, it has been classified as a Variant of Uncertain Significance.

NM_053025.4(MYLK):c.2051A>C (p.Glu684Ala)

Gene: MYLK (myosin light chain kinase; minus strand). Cytogenetic location: 3q21.1.
Variant type: single nucleotide variant.
Coding change: c.2051A>C on transcript NM_053025.4 (MANE Select); coding-DNA position 2051, A replaced by C.
Protein change: p.Glu684Ala; replaces glutamic acid 684 with alanine.
Molecular consequence: missense variant.
Genome position (GRCh38, 1-based): chr3:123,708,787, T>G on the plus strand (A>C on the coding strand, the complement: MYLK is on the minus strand). VCF-style: chr3-123708787-T-G. GRCh37 (hg19) VCF-style: chr3-123427634-T-G.
Other names: c.1523A>C, p.Glu508Ala (NM_001321309.2); c.1844A>C, p.Glu615Ala (NM_053026.4, NM_053028.4); c.2051A>C, p.Glu684Ala (NM_053027.4); short protein forms E684A, E615A, E508A.
Identifiers: ClinVar variation 4746398 (VCV004746398.1).